The following is an entry in ClinVar:

NM_002528.7(NTHL1):c.422G>A (p.Gly141Asp)

Gene: NTHL1 (nth like DNA glycosylase 1; minus strand). Cytogenetic location: 16p13.3.
Variant type: single nucleotide variant.
Coding change: c.422G>A on transcript NM_002528.7 (MANE Select); coding-DNA position 422, G replaced by A.
Protein change: p.Gly141Asp; replaces glycine 141 with aspartic acid.
Molecular consequence: missense variant. On other transcripts: intron variant (1).
Genome position (GRCh38, 1-based): chr16:2,044,733, C>T on the plus strand (G>A on the coding strand, the complement: NTHL1 is on the minus strand). VCF-style: chr16-2044733-C-T. GRCh37 (hg19) VCF-style: chr16-2094734-C-T.
Other names: c.92G>A, p.Gly31Asp (NM_001318194.2); c.355-1007G>A (NM_001318193.2); c.446G>A (NM_002528.5); short protein forms G141D, G31D.
Identifiers: ClinVar variation 1023015 (VCV001023015.7), dbSNP rs1306012390, ClinGen allele CA394294413.
Genomic context (GRCh38, chr16:2,044,733, plus strand): 5'-TCATCTGTCTGCAGGATGCTGTCCACCGTCAGGCCCCGCGCCCGCAGTCGCTGCATGGCG[C>T]CCGCCGTCACCTGGTCTTTGGTTTGGCTGGAGAGCATCAGTGACAGCAGCACCTGGTACC-3'
Protein context (NP_002519.2, residues 131-151): SSQTKDQVTA[Gly141Asp]AMQRLRARGL

ClinVar aggregate classification (germline): Uncertain significance. Review status: criteria provided, multiple submitters, no conflicts (2 of 4 stars). 2 submissions from 2 submitters: Uncertain significance (2). Last evaluated 2024-10-29.

Conditions:
Hereditary cancer-predisposing syndrome. Also called: Hereditary Cancer Syndrome; Neoplastic Syndromes, Hereditary; Tumor predisposition; Hereditary neoplastic syndrome. Identifiers: Orphanet 140162, MedGen C0027672, MeSH D009386, MONDO:0015356.

Submissions (2):

Labcorp Genetics (formerly Invitae), Labcorp
Classification: Uncertain significance. Last evaluated: 2024-10-29. Review status: criteria provided, single submitter. Criteria: Invitae Variant Classification Sherloc (09022015). Collection method: clinical testing. Allele origin: germline.
Comment: This sequence change replaces glycine, which is neutral and non-polar, with aspartic acid, which is acidic and polar, at codon 149 of the NTHL1 protein (p.Gly149Asp). This variant is not present in population databases (gnomAD no frequency). This variant has not been reported in the literature in individuals affected with NTHL1-related conditions. ClinVar contains an entry for this variant (Variation ID: 1023015). An algorithm developed to predict the effect of missense changes on protein structure and function (PolyPhen-2) suggests that this variant is likely to be tolerated. In summary, the available evidence is currently insufficient to determine the role of this variant in disease. Therefore, it has been classified as a Variant of Uncertain Significance.

Ambry Genetics
Classification: Uncertain significance for Hereditary cancer-predisposing syndrome. Last evaluated: 2023-11-01. Review status: criteria provided, single submitter. Criteria: Ambry Variant Classification Scheme 2023. Collection method: clinical testing. Allele origin: germline.
Comment: The p.G149D variant (also known as c.446G>A), located in coding exon 3 of the NTHL1 gene, results from a G to A substitution at nucleotide position 446. The glycine at codon 149 is replaced by aspartic acid, an amino acid with similar properties. This amino acid position is conserved. In addition, the in silico prediction for this alteration is inconclusive. Since supporting evidence is limited at this time, the clinical significance of this alteration remains unclear.